The following is an entry in ClinVar:

ClinVar aggregate classification (germline): Uncertain significance (1 of 4 stars; one submission).

Conditions:
SGCE-related disorder. Also called: SGCE-related condition.

Allele frequency attached by ClinVar (database versions not stated): gnomAD exomes below 0.00001.
gnomAD v4.1: 1 of 1,611,760 alleles (0.000062%); highest among the groups gnomAD compares: African/African-American, 0.0013%; no homozygotes.

Submission:

PreventionGenetics, part of Exact Sciences
Classification: Uncertain significance for SGCE-related condition. Last evaluated: 2023-09-19. Review status: criteria provided, single submitter. Criteria: ACMG Guidelines, 2015. Collection method: clinical testing. Allele origin: germline.
Comment: The SGCE c.363A>T variant is predicted to result in the amino acid substitution p.Glu121Asp. To our knowledge, this variant has not been reported in the literature or in a large population database, indicating this variant is rare. At this time, the clinical significance of this variant is uncertain due to the absence of conclusive functional and genetic evidence.

NM_003919.3(SGCE):c.363A>T (p.Glu121Asp)

Genes: CASD1 (CAS1 domain containing 1; plus strand), SGCE (sarcoglycan epsilon; minus strand). Cytogenetic location: 7q21.3.
Variant type: single nucleotide variant.
Coding change: c.363A>T on transcript NM_003919.3 (MANE Select); coding-DNA position 363, A replaced by T.
Protein change: p.Glu121Asp; replaces glutamic acid 121 with aspartic acid.
Molecular consequence: missense variant.
Genome position (GRCh38, 1-based): chr7:94,628,229, T>A on the plus strand (A>T on the coding strand, the complement: SGCE is on the minus strand). VCF-style: chr7-94628229-T-A. GRCh37 (hg19) VCF-style: chr7-94257541-T-A.
Other names: c.363A>T, p.Glu121Asp (NM_001099400.2, NM_001099401.2, NM_001346717.2); c.240A>T, p.Glu80Asp (NM_001301139.2, NM_001362809.2); c.471A>T, p.Glu157Asp (NM_001346713.2, NM_001346715.2); c.276A>T, p.Glu92Asp (NM_001346719.2, NM_001362807.2); c.90A>T, p.Glu30Asp (NM_001346720.2, NM_001362808.2); short protein forms E121D, E157D, E30D, E80D, E92D.
Identifiers: ClinVar variation 2628510 (VCV002628510.1), dbSNP rs1804064308, ClinGen allele CA368237865.